The following is an entry in ClinVar:

NM_000089.4(COL1A2):c.1342G>A (p.Gly448Arg)

Gene: COL1A2 (collagen type I alpha 2 chain; plus strand). Cytogenetic location: 7q21.3.
Variant type: single nucleotide variant.
Coding change: c.1342G>A on transcript NM_000089.4 (MANE Select); coding-DNA position 1342, G replaced by A.
Protein change: p.Gly448Arg; replaces glycine 448 with arginine.
Molecular consequence: missense variant.
Genome position (GRCh38, 1-based): chr7:94,411,146, G>A. VCF-style: chr7-94411146-G-A. GRCh37 (hg19) VCF-style: chr7-94040458-G-A.
Other names: short protein forms G448R.
Identifiers: ClinVar variation 4783362 (VCV004783362.1).

ClinVar aggregate classification (germline): Pathogenic (1 of 4 stars; one submission).

Conditions:
Ehlers-Danlos syndrome, classic type, 1 (EDSCL1). Also called: EHLERS-DANLOS SYNDROME, GRAVIS TYPE; EHLERS-DANLOS SYNDROME, SEVERE CLASSIC TYPE; Ehlers-Danlos syndrome, type 1; Ehlers-Danlos Syndrome, Classic Type, COL5A1-Related; EDS I. Identifiers: MedGen C0268335, MONDO:0019567, OMIM 130000.
Osteogenesis imperfecta type I (OI1). Also called: OI, TYPE I; OSTEOGENESIS IMPERFECTA TARDA; OSTEOGENESIS IMPERFECTA WITH BLUE SCLERAE; Osteogenesis imperfecta type 1; Lobstein's Disease; Lobstein disease. Identifiers: Orphanet 216796, Orphanet 666, MedGen C0023931, MONDO:0008146, OMIM 166200. Disease mechanism: loss of function.

Submission:

Labcorp Genetics (formerly Invitae), Labcorp
Classification: Pathogenic for Osteogenesis imperfecta type I; Ehlers-Danlos syndrome, classic type, 1. Last evaluated: 2025-12-26. Review status: criteria provided, single submitter. Criteria: Invitae Variant Classification Sherloc (09022015). Collection method: clinical testing. Allele origin: germline.
Comment: This sequence change replaces glycine, which is neutral and non-polar, with arginine, which is basic and polar, at codon 448 of the COL1A2 protein (p.Gly448Arg). This variant is not present in population databases (gnomAD no frequency). This missense change has been observed in individual(s) with osteogenesis imperfecta (internal data). Invitae Evidence Modeling of protein sequence and biophysical properties (such as structural, functional, and spatial information, amino acid conservation, physicochemical variation, residue mobility, and thermodynamic stability) indicates that this missense variant is expected to disrupt COL1A2 protein function with a positive predictive value of 95%. This variant disrupts the triple helix domain of COL1A2. Glycine residues within the Gly-Xaa-Yaa repeats of the triple helix domain are required for the structure and stability of fibrillar collagens (PMID: 7695699, 8218237, 19344236). In COL1A2, variants affecting these glycine residues are significantly enriched in individuals with disease (PMID: 9016532, 17078022) compared to the general population (ExAC). This variant disrupts the p.Gly448 amino acid residue in COL1A2. Other variant(s) that disrupt this residue have been observed in individuals with COL1A2-related conditions (PMID: 17078022), which suggests that this may be a clinically significant amino acid residue. For these reasons, this variant has been classified as Pathogenic.

Literature cited by the submitters: PubMed 7695699; PubMed 8218237; PubMed 19344236; PubMed 9016532; PubMed 17078022.